The following is an entry in ClinVar:

NM_017777.4(MKS1):c.*322G>T

Gene: MKS1 (MKS transition zone complex subunit 1; minus strand). Cytogenetic location: 17q22.
Variant type: single nucleotide variant.
Coding change: c.*322G>T on transcript NM_017777.4 (MANE Select); 322 bases downstream of the stop codon, G replaced by T.
Molecular consequence: 3 prime UTR variant.
Genome position (GRCh38, 1-based): chr17:58,205,757, C>A on the plus strand (G>T on the coding strand, the complement: MKS1 is on the minus strand). VCF-style: chr17-58205757-C-A. GRCh37 (hg19) VCF-style: chr17-56283118-C-A.
Other names: NC_000017.10:g.56283118C>A; c.*322G>T (NM_001321268.2); c.*233G>T (NM_001321269.2); c.*414G>T (NM_001330397.2).
Identifiers: ClinVar variation 324156 (VCV000324156.34), dbSNP rs185405908, ClinGen allele CA10650548.

ClinVar aggregate classification (germline): Conflicting classifications of pathogenicity. Review status: criteria provided, conflicting classifications (1 of 4 stars). 4 submissions from 3 submitters: Uncertain significance (3); Likely benign (1). Last evaluated 2026-09-01.

Conditions:
Meckel syndrome, type 1 (MKS1). Also called: MECKEL-GRUBER SYNDROME, TYPE 1. Identifiers: Orphanet 564, MedGen C3714506, MONDO:0009571, OMIM 249000.
Bardet-Biedl syndrome 13 (BBS13). Identifiers: Orphanet 110, MedGen C2673873, MONDO:0014441, OMIM 615990.

Allele frequency attached by ClinVar (database versions not stated): 1000 Genomes Project 0.00280; 1000 Genomes Project 30x 0.00281; gnomAD 0.00535 and 0.00571; TOPMed 0.00556; gnomAD exomes 0.00757.

Submissions (6):

CeGaT Center for Human Genetics Tuebingen
Classification: Likely benign. Last evaluated: 2026-09-01. Review status: criteria provided, single submitter. Criteria: CeGaT Center For Human Genetics Tuebingen Variant Classification Criteria Version 2. Collection method: clinical testing. Allele origin: germline. Affected: yes. Observed: 44 variant alleles.
Comment: MKS1: BS2

Illumina Laboratory Services, Illumina
Classification: Uncertain significance for Meckel syndrome, type 1. Last evaluated: 2018-01-13. Review status: criteria provided, single submitter. Criteria: ICSL Variant Classification Criteria 13 December 2019. Collection method: clinical testing. Allele origin: germline.

Illumina Laboratory Services, Illumina
Classification: Uncertain significance for Bardet-Biedl syndrome 13. Last evaluated: 2018-01-13. Review status: criteria provided, single submitter. Criteria: ICSL Variant Classification Criteria 13 December 2019. Collection method: clinical testing. Allele origin: germline.

Breakthrough Genomics
Classification: Uncertain significance. Review status: criteria provided, single submitter. Criteria: ACMG Guidelines, 2015. Collection method: not provided. Allele origin: germline. Inheritance: Autosomal recessive inheritance. Affected: yes.

Dr. Peter K. Rogan Lab, Western University
No classification provided (evidence only). Condition: Cervical cancer. Review status: no classification provided. Collection method: in vitro. Allele origin: not applicable. Functional consequence: retained intron. Not counted in ClinVar's aggregate classification.

Dr. Peter K. Rogan Lab, Western University
No classification provided (evidence only). Condition: Ovarian serous cystadenocarcinoma. Review status: no classification provided. Collection method: in vitro. Allele origin: not applicable. Functional consequence: retained intron. Not counted in ClinVar's aggregate classification.